The following is an entry in ClinVar:

ClinVar aggregate classification (germline): Pathogenic (1 of 4 stars; one submission).

Conditions:
Congenital sideroblastic anemia-B-cell immunodeficiency-periodic fever-developmental delay syndrome. Also called: Sideroblastic anemia with B-cell immunodeficiency, periodic fevers, and developmental delay. Identifiers: Orphanet 369861, MedGen C4015172, MONDO:0014487, OMIM 616084.

Submission:

Labcorp Genetics (formerly Invitae), Labcorp
Classification: Pathogenic for Congenital sideroblastic anemia-B-cell immunodeficiency-periodic fever-developmental delay syndrome. Last evaluated: 2024-02-26. Review status: criteria provided, single submitter. Criteria: Invitae Variant Classification Sherloc (09022015). Collection method: clinical testing. Allele origin: germline.
Comment: This sequence change creates a premature translational stop signal (p.Asp352*) in the TRNT1 gene. While this is not anticipated to result in nonsense mediated decay, it is expected to disrupt the last 83 amino acid(s) of the TRNT1 protein. This variant is not present in population databases (gnomAD no frequency). This variant has not been reported in the literature in individuals affected with TRNT1-related conditions. ClinVar contains an entry for this variant (Variation ID: 1458074). This variant disrupts a region of the TRNT1 protein in which other variant(s) (p.Ser418Lysfs*9) have been determined to be pathogenic (PMID: 25193871, 26494905, 29358286). This suggests that this is a clinically significant region of the protein, and that variants that disrupt it are likely to be disease-causing. For these reasons, this variant has been classified as Pathogenic.

Literature cited by the submitters: PubMed 25193871; PubMed 26494905; PubMed 29358286.

NM_182916.3(TRNT1):c.1053_1054insT (p.Asp352Ter)

Gene: TRNT1 (tRNA nucleotidyl transferase 1; plus strand). Cytogenetic location: 3p26.2.
Variant type: Insertion.
Coding change: c.1053_1054insT on transcript NM_182916.3 (MANE Select); coding-DNA positions 1053 to 1054, T inserted.
Protein change: p.Asp352Ter; replaces aspartic acid 352 with a stop codon.
Molecular consequence: nonsense. On other transcripts: non-coding transcript variant (8).
Genome position: GRCh38 VCF-style: chr3-3147700-A-AT. GRCh37 (hg19) VCF-style: chr3-3189384-A-AT.
Other names: c.993_994insT, p.Asp332Ter (NM_001302946.2); c.1053_1054insT, p.Asp352Ter (NM_001367321.1, NM_001367322.1, NM_001367323.1); short protein forms D332*, D352*.
Identifiers: ClinVar variation 1458074 (VCV001458074.6), dbSNP rs2126037181, ClinGen allele CA2573135999.